The following is an entry in ClinVar:

ClinVar aggregate classification (germline): Pathogenic (1 of 4 stars; one submission).

Conditions:
Ehlers-Danlos syndrome due to tenascin-X deficiency (EDSCLL1). Also called: EDS DUE TO TNX DEFICIENCY; TNX DEFICIENCY; Ehlers-Danlos syndrome, classic-like, 1; EHLERS-DANLOS SYNDROME, CLASSIC-LIKE; TNXB-Related Classical-Like Ehlers-Danlos Syndrome. Identifiers: Orphanet 230839, MedGen C1848029, MONDO:0011670, OMIM 606408.

Submission:

Myriad Genetics, Inc.
Classification: Pathogenic for Ehlers-Danlos syndrome due to tenascin-X deficiency. Last evaluated: 2026-08-24. Review status: criteria provided, single submitter. Criteria: Myriad Autosomal Dominant, Autosomal Recessive and X-Linked Classification Criteria (2023). Collection method: clinical testing. Allele origin: unknown.
Comment: NM_019105.6(TNXB):c.840C>A(C280*) is expected to be pathogenic in the context of classical-like Ehlers-Danlos syndrome, TNXB-related. This variant is predicted to lead to an abnormal or absent protein product due to the creation of a premature termination codon in TNXB, a gene where loss-of-function variants are known to be pathogenic. Please note: this variant was assessed in the context of healthy population screening.

NM_001365276.2(TNXB):c.840C>A (p.Cys280Ter)

Gene: TNXB (tenascin XB; minus strand). Cytogenetic location: 6p21.33.
Variant type: single nucleotide variant.
Coding change: c.840C>A on transcript NM_001365276.2 (MANE Select); coding-DNA position 840, C replaced by A.
Protein change: p.Cys280Ter; replaces cysteine 280 with a stop codon.
Molecular consequence: nonsense.
Genome position (GRCh38, 1-based): chr6:32,097,013, G>T on the plus strand (C>A on the coding strand, the complement: TNXB is on the minus strand). VCF-style: chr6-32097013-G-T. GRCh37 (hg19) VCF-style: chr6-32064790-G-T.
Other names: c.840C>A, p.Cys280Ter (NM_001428335.1, NM_019105.8); short protein forms C280*.
Identifiers: ClinVar variation 5016274 (VCV005016274.1).